The following is an entry in ClinVar:

NM_000388.4(CASR):c.484A>G (p.Ile162Val)

Gene: CASR (calcium sensing receptor; plus strand). Cytogenetic location: 3q21.1.
Variant type: single nucleotide variant.
Coding change: c.484A>G on transcript NM_000388.4 (MANE Select); coding-DNA position 484, A replaced by G.
Protein change: p.Ile162Val; replaces isoleucine 162 with valine.
Molecular consequence: missense variant.
Genome position (GRCh38, 1-based): chr3:122,257,379, A>G. VCF-style: chr3-122257379-A-G. GRCh37 (hg19) VCF-style: chr3-121976226-A-G.
Other names: c.484A>G, p.Ile162Val (NM_001178065.2); short protein forms I162V.
Identifiers: ClinVar variation 2120567 (VCV002120567.4), dbSNP rs1044167719, ClinGen allele CA354362987.

ClinVar aggregate classification (germline): Uncertain significance (1 of 4 stars; one submission).

Conditions:
Familial hypocalciuric hypercalcemia (FHH). Also called: Familial benign hypercalcemia. Identifiers: Orphanet 405, MedGen C1809471, MONDO:0018458.
Autosomal dominant hypocalcemia 1 (HYPOC1). Also called: HYPOCALCEMIA, FAMILIAL. Identifiers: MedGen C3715128, MONDO:0011013, OMIM 601198.

Submission:

Labcorp Genetics (formerly Invitae), Labcorp
Classification: Uncertain significance for Familial hypocalciuric hypercalcemia; Autosomal dominant hypocalcemia 1. Last evaluated: 2022-04-01. Review status: criteria provided, single submitter. Criteria: Invitae Variant Classification Sherloc (09022015). Collection method: clinical testing. Allele origin: germline.
Comment: This sequence change replaces isoleucine, which is neutral and non-polar, with valine, which is neutral and non-polar, at codon 162 of the CASR protein (p.Ile162Val). This variant is not present in population databases (gnomAD no frequency). This variant has not been reported in the literature in individuals affected with CASR-related conditions. Algorithms developed to predict the effect of missense changes on protein structure and function are either unavailable or do not agree on the potential impact of this missense change (SIFT: "Deleterious"; PolyPhen-2: "Benign"; Align-GVGD: "Class C0"). In summary, the available evidence is currently insufficient to determine the role of this variant in disease. Therefore, it has been classified as a Variant of Uncertain Significance.